The following is an entry in ClinVar:

ClinVar aggregate classification (germline): Uncertain significance. Review status: criteria provided, multiple submitters, no conflicts (2 of 4 stars). 2 submissions from 2 submitters: Uncertain significance (2). Last evaluated 2024-11-07.

Conditions:
Inborn genetic diseases. Identifiers: MedGen C0950123, MeSH D030342.

Allele frequency attached by ClinVar (database versions not stated): gnomAD exomes below 0.00001; ExAC 0.00002.
gnomAD v4.1: 1 of 1,612,302 alleles (0.000062%); highest among the groups gnomAD compares: South Asian, 0.0011%; no homozygotes.

Submissions (2):

Ambry Genetics
Classification: Uncertain significance for Inborn genetic diseases. Last evaluated: 2024-11-07. Review status: criteria provided, single submitter. Criteria: Ambry Variant Classification Scheme 2023. Collection method: clinical testing. Allele origin: germline.

Labcorp Genetics (formerly Invitae), Labcorp
Classification: Uncertain significance. Last evaluated: 2022-07-21. Review status: criteria provided, single submitter. Criteria: Invitae Variant Classification Sherloc (09022015). Collection method: clinical testing. Allele origin: germline.
Comment: Algorithms developed to predict the effect of missense changes on protein structure and function (SIFT, PolyPhen-2, Align-GVGD) all suggest that this variant is likely to be disruptive. In summary, the available evidence is currently insufficient to determine the role of this variant in disease. Therefore, it has been classified as a Variant of Uncertain Significance. This sequence change replaces valine, which is neutral and non-polar, with alanine, which is neutral and non-polar, at codon 132 of the NANS protein (p.Val132Ala). This variant has not been reported in the literature in individuals affected with NANS-related conditions. This variant is present in population databases (rs749393984, gnomAD 0.003%).

NM_018946.4(NANS):c.395T>C (p.Val132Ala)

Genes: NANS (N-acetylneuraminate synthase; plus strand), TRIM14 (tripartite motif containing 14; minus strand). Cytogenetic location: 9q22.33.
Variant type: single nucleotide variant.
Coding change: c.395T>C on transcript NM_018946.4 (MANE Select); coding-DNA position 395, T replaced by C.
Protein change: p.Val132Ala; replaces valine 132 with alanine.
Molecular consequence: missense variant.
Genome position (GRCh38, 1-based): chr9:98,076,964, T>C. VCF-style: chr9-98076964-T-C. GRCh37 (hg19) VCF-style: chr9-100839246-T-C.
Other names: c.395T>C (NM_018946.3); short protein forms V132A.
Identifiers: ClinVar variation 2101088 (VCV002101088.5), dbSNP rs749393984, ClinGen allele CA5150272.